The following is an entry in ClinVar:

ClinVar aggregate classification (germline): Pathogenic. Review status: criteria provided, multiple submitters, no conflicts (2 of 4 stars). 4 submissions from 4 submitters: Pathogenic (4). Last evaluated 2025-05-21.

Conditions:
Hereditary cancer-predisposing syndrome. Also called: Hereditary Cancer Syndrome; Neoplastic Syndromes, Hereditary; Hereditary neoplastic syndrome; Tumor predisposition. Identifiers: Orphanet 140162, MedGen C0027672, MeSH D009386, MONDO:0015356.
Hereditary nonpolyposis colorectal neoplasms. Identifiers: MedGen C0009405, MeSH D003123.
Lynch syndrome 5 (LYNCH5). Also called: Hereditary non-polyposis colorectal cancer, type 5; Colorectal cancer, hereditary nonpolyposis, type 5. Identifiers: Orphanet 144, MedGen C1833477, MONDO:0013710, OMIM 614350. Disease mechanism: loss of function.

Submissions (4):

Labcorp Genetics (formerly Invitae), Labcorp
Classification: Pathogenic for Hereditary nonpolyposis colorectal neoplasms. Last evaluated: 2025-05-21. Review status: criteria provided, single submitter. Criteria: Invitae Variant Classification Sherloc (09022015). Collection method: clinical testing. Allele origin: germline.
Comment: This sequence change creates a premature translational stop signal (p.Thr1010Leufs*10) in the MSH6 gene. It is expected to result in an absent or disrupted protein product. Loss-of-function variants in MSH6 are known to be pathogenic (PMID: 18269114, 24362816). This variant is not present in population databases (gnomAD no frequency). This variant has not been reported in the literature in individuals affected with MSH6-related conditions. ClinVar contains an entry for this variant (Variation ID: 428407). For these reasons, this variant has been classified as Pathogenic.

Color Diagnostics, LLC DBA Color Health
Classification: Pathogenic for Hereditary cancer-predisposing syndrome. Last evaluated: 2024-03-25. Review status: criteria provided, single submitter. Criteria: ACMG Guidelines, 2015. Collection method: clinical testing. Allele origin: germline.
Comment: This variant deletes 1 nucleotide in exon 4 of the MSH6 gene, creating a frameshift and premature translation stop signal. This variant is expected to result in an absent or non-functional protein product. To our knowledge, this variant has not been reported in individuals affected with MSH6-related disorders in the literature. This variant has not been identified in the general population by the Genome Aggregation Database (gnomAD). Loss of MSH6 function is a known mechanism of disease. Based on the available evidence, this variant is classified as Pathogenic.

Myriad Genetics, Inc.
Classification: Pathogenic for Lynch syndrome 5. Last evaluated: 2023-08-22. Review status: criteria provided, single submitter. Criteria: Myriad Autosomal Dominant, Autosomal Recessive and X-Linked Classification Criteria (2023). Collection method: clinical testing. Allele origin: unknown.
Comment: This variant is considered pathogenic. This variant creates a frameshift predicted to result in premature protein truncation.

Ambry Genetics
Classification: Pathogenic for Hereditary cancer-predisposing syndrome. Last evaluated: 2022-03-15. Review status: criteria provided, single submitter. Criteria: Ambry Variant Classification Scheme 2023. Collection method: clinical testing. Allele origin: germline.
Comment: The c.3028delA pathogenic mutation, located in coding exon 4 of the MSH6 gene, results from a deletion of one nucleotide at nucleotide position 3028, causing a translational frameshift with a predicted alternate stop codon (p.T1010Lfs*10). This alteration is expected to result in loss of function by premature protein truncation or nonsense-mediated mRNA decay. As such, this alteration is interpreted as a disease-causing mutation.

Literature cited by the submitters: PubMed 18269114 (cited by Labcorp Genetics (formerly Invitae), Labcorp); PubMed 24362816 (cited by Labcorp Genetics (formerly Invitae), Labcorp).

NM_000179.3(MSH6):c.3028del (p.Thr1010fs)

Gene: MSH6 (mutS homolog 6; plus strand). Cytogenetic location: 2p16.3.
Variant type: Deletion.
Coding change: c.3028del on transcript NM_000179.3 (MANE Select); coding-DNA position 3028, one base deleted (A; older notation c.3028delA).
Protein change: p.Thr1010fs; shifts the reading frame from threonine 1010.
Molecular consequence: frameshift variant.
Genome position (GRCh38, 1-based): chr2:47,801,011, A deleted; the last of 4 consecutive A bases (chr2:47,801,008-47,801,011); deleting any one gives the same sequence. VCF-style (leftmost placement, unchanged base first): chr2-47801007-CA-C. GRCh37 (hg19) VCF-style: chr2-48028146-CA-C.
Other names: c.2638del, p.Thr880fs (NM_001281492.2); c.2122del, p.Thr708fs (NM_001281493.2, NM_001281494.2); c.3028delA (NM_000179.2); short protein forms T708fs, T880fs.
Identifiers: ClinVar variation 428407 (VCV000428407.19), dbSNP rs1114167773, ClinGen allele CA645369248.
Genomic context (GRCh38, chr2:47,801,007, plus strand): 5'-CAATTTGCCAGAAGAATACGAGTTGAAATCTACCAAGAAGGGCTGTAAACGATACTGGAC[CA>C]AAACTATTGAAAAGAAGTTGGCTAATCTCATAAATGCTGAAGAACGGAGGGATGTATCAT-3'